The following is an entry in ClinVar:

NM_004360.5(CDH1):c.688-10G>A

Gene: CDH1 (cadherin 1; plus strand). Cytogenetic location: 16q22.1.
Variant type: single nucleotide variant.
Coding change: c.688-10G>A on transcript NM_004360.5 (MANE Select); 10 bases into the intron before coding-DNA position 688, G replaced by A.
Molecular consequence: intron variant.
Genome position (GRCh38, 1-based): chr16:68,810,187, G>A. VCF-style: chr16-68810187-G-A. GRCh37 (hg19) VCF-style: chr16-68844090-G-A.
Other names: c.-928-10G>A (NM_001317185.2); c.-1132-10G>A (NM_001317186.2); c.688-10G>A (NM_001317184.2).
Identifiers: ClinVar variation 748513 (VCV000748513.12), dbSNP rs1050660802, ClinGen allele CA283298304.

ClinVar aggregate classification (germline): Likely benign. Review status: criteria provided, multiple submitters, no conflicts (2 of 4 stars). 2 submissions from 2 submitters: Likely benign (2). Last evaluated 2025-07-14.

Conditions:
Hereditary diffuse gastric adenocarcinoma (HDGC). Also called: DIFFUSE GASTRIC AND LOBULAR BREAST CANCER SYNDROME. Identifiers: Orphanet 26106, MedGen C1708349, MONDO:0007648, OMIM 137215.

Allele frequency attached by ClinVar (database versions not stated): TOPMed 0.00001.

Submissions (2):

Labcorp Genetics (formerly Invitae), Labcorp
Classification: Likely benign for Hereditary diffuse gastric adenocarcinoma. Last evaluated: 2025-07-14. Review status: criteria provided, single submitter. Criteria: Invitae Variant Classification Sherloc (09022015). Collection method: clinical testing. Allele origin: germline.

Myriad Genetics, Inc.
Classification: Likely benign for Hereditary diffuse gastric adenocarcinoma. Last evaluated: 2024-09-13. Review status: criteria provided, single submitter. Criteria: Myriad Autosomal Dominant, Autosomal Recessive and X-Linked Classification Criteria (2023). Collection method: clinical testing. Allele origin: unknown.
Comment: This variant is considered likely benign. This variant is intronic and is not expected to impact mRNA splicing.